The following is an entry in ClinVar:

NM_024675.4(PALB2):c.773G>A (p.Ser258Asn)

Gene: PALB2 (partner and localizer of BRCA2; minus strand). Cytogenetic location: 16p12.2.
Variant type: single nucleotide variant.
Coding change: c.773G>A on transcript NM_024675.4 (MANE Select); coding-DNA position 773, G replaced by A.
Protein change: p.Ser258Asn; replaces serine 258 with asparagine.
Molecular consequence: missense variant.
Genome position (GRCh38, 1-based): chr16:23,635,773, C>T on the plus strand (G>A on the coding strand, the complement: PALB2 is on the minus strand). VCF-style: chr16-23635773-C-T. GRCh37 (hg19) VCF-style: chr16-23647094-C-T.
Other names: short protein forms S258N.
Identifiers: ClinVar variation 229922 (VCV000229922.18), dbSNP rs371289600, ClinGen allele CA7963758.

ClinVar aggregate classification (germline): Conflicting classifications of pathogenicity. Review status: criteria provided, conflicting classifications (1 of 4 stars). 4 submissions from 4 submitters: Uncertain significance (3); Likely benign (1). Last evaluated 2025-07-03.

Conditions:
Hereditary cancer-predisposing syndrome. Also called: Hereditary neoplastic syndrome; Hereditary Cancer Syndrome; Neoplastic Syndromes, Hereditary; Tumor predisposition. Identifiers: Orphanet 140162, MedGen C0027672, MeSH D009386, MONDO:0015356.
Familial cancer of breast. Also called: Hereditary breast cancer; BREAST CANCER, FAMILIAL; hereditary breast carcinoma. Identifiers: Orphanet 227535, MedGen C0346153, MONDO:0016419, OMIM 114480. Disease mechanism: loss of function.

Allele frequency attached by ClinVar (database versions not stated): gnomAD exomes below 0.00001; ExAC 0.00001; ESP Exome Variant Server 0.00008.

Submissions (4):

Ambry Genetics
Classification: Uncertain significance for Hereditary cancer-predisposing syndrome. Last evaluated: 2025-07-03. Review status: criteria provided, single submitter. Criteria: Ambry Variant Classification Scheme 2023. Collection method: clinical testing. Allele origin: germline.
Comment: The p.S258N variant (also known as c.773G>A), located in coding exon 4 of the PALB2 gene, results from a G to A substitution at nucleotide position 773. The serine at codon 258 is replaced by asparagine, an amino acid with highly similar properties. This amino acid position is poorly conserved in available vertebrate species. In addition, this alteration is predicted to be tolerated by in silico analysis. Since supporting evidence is limited at this time, the clinical significance of this alteration remains unclear.

Myriad Genetics, Inc.
Classification: Likely benign for Familial cancer of breast. Last evaluated: 2025-01-10. Review status: criteria provided, single submitter. Criteria: Myriad Autosomal Dominant, Autosomal Recessive and X-Linked Classification Criteria (2023). Collection method: clinical testing. Allele origin: unknown.
Comment: This variant is considered likely benign. This variant has been observed in trans with a known pathogenic variant in one or more individuals lacking clinical features consistent with gene-specific recessive disease.

Labcorp Genetics (formerly Invitae), Labcorp
Classification: Uncertain significance for Familial cancer of breast. Last evaluated: 2024-06-06. Review status: criteria provided, single submitter. Criteria: Invitae Variant Classification Sherloc (09022015). Collection method: clinical testing. Allele origin: germline.
Comment: This sequence change replaces serine, which is neutral and polar, with asparagine, which is neutral and polar, at codon 258 of the PALB2 protein (p.Ser258Asn). This variant is present in population databases (rs371289600, gnomAD 0.0009%). This variant has not been reported in the literature in individuals affected with PALB2-related conditions. ClinVar contains an entry for this variant (Variation ID: 229922). Algorithms developed to predict the effect of missense changes on protein structure and function output the following: SIFT: "Not Available"; PolyPhen-2: "Benign"; Align-GVGD: "Not Available". The asparagine amino acid residue is found in multiple mammalian species, which suggests that this missense change does not adversely affect protein function. RNA analysis performed to evaluate the impact of this missense change on mRNA splicing indicates it does not significantly alter splicing (Invitae). In summary, the available evidence is currently insufficient to determine the role of this variant in disease. Therefore, it has been classified as a Variant of Uncertain Significance.

Quest Diagnostics Nichols Institute San Juan Capistrano
Classification: Uncertain significance. Last evaluated: 2021-07-22. Review status: criteria provided, single submitter. Criteria: Quest Diagnostics criteria. Collection method: clinical testing. Allele origin: unknown.